The following is an entry in ClinVar:

ClinVar aggregate classification (germline): Pathogenic (1 of 4 stars; one submission).

Conditions:
Recessive dystrophic epidermolysis bullosa (RDEB). Also called: DYSTROPHIC EPIDERMOLYSIS BULLOSA, AUTOSOMAL RECESSIVE; EPIDERMOLYSIS BULLOSA DYSTROPHICA, HALLOPEAU-SIEMENS TYPE; Hallopeau-Siemens Disease; severe generalized recessive dystrophic epidermolysis bullosa; EPIDERMOLYSIS BULLOSA DYSTROPHICA, GENERALIZED SEVERE, AUTOSOMAL RECESSIVE; Epidermolysis Bullosa Distrophica Autosomal Recessive (RDEB). Identifiers: Orphanet 79408, Orphanet 79409, MedGen C0079474, MONDO:0009179, OMIM 226600.

Submission:

Myriad Genetics, Inc.
Classification: Pathogenic for Recessive dystrophic epidermolysis bullosa. Last evaluated: 2024-06-15. Review status: criteria provided, single submitter. Criteria: Myriad Autosomal Dominant, Autosomal Recessive and X-Linked Classification Criteria (2023). Collection method: clinical testing. Allele origin: unknown.
Comment: NM_000094.3(COL7A1):c.8034delG(I2679Sfs*107) is expected to be pathogenic in the context of dystrophic epidermolysis bullosa. This variant is predicted to lead to an abnormal or absent protein product due to the creation of a premature termination codon in COL7A1, a gene where loss-of-function variants are known to be pathogenic. Please note: this variant was assessed in the context of healthy population screening.

NM_000094.4(COL7A1):c.8034del (p.Ile2679fs)

Gene: COL7A1 (collagen type VII alpha 1 chain; minus strand). Cytogenetic location: 3p21.31.
Variant type: Deletion.
Coding change: c.8034del on transcript NM_000094.4 (MANE Select); coding-DNA position 8034, one base deleted (G; older notation c.8034delG).
Protein change: p.Ile2679fs; shifts the reading frame from isoleucine 2679.
Molecular consequence: frameshift variant.
Genome position (GRCh38, 1-based): chr3:48,567,586, C deleted on the plus strand (G on the coding strand, the reverse complement: COL7A1 is on the minus strand). VCF-style (leftmost placement, unchanged base first): chr3-48567585-TC-T. GRCh37 (hg19) VCF-style: chr3-48605018-TC-T.
Other names: short protein forms I2679fs.
Identifiers: ClinVar variation 5013184 (VCV005013184.1).